The following is an entry in ClinVar:

ClinVar aggregate classification (germline): Likely pathogenic (1 of 4 stars; one submission).

Conditions:
CHD7-related CHARGE syndrome. Identifiers: MedGen CN380413, MONDO:1010178, OMIM 214800.

Submission:

MVZ Praenatalmedizin und Genetik Nuernberg
Classification: Likely pathogenic for CHD7-related CHARGE syndrome. Last evaluated: 2023-04-23. Review status: criteria provided, single submitter. Criteria: ACMG Guidelines, 2015. Collection method: clinical testing. Allele origin: de novo. Affected: yes.
Comment: The variant is located in exon 34 of 38 of the CHD7 gene and leads to a shift in the reading frame and a premature stop codon. It has not yet been described in gnomAD, ClinVar or the literature. According to ClinVar, the majority of (likely) pathogenic CHD7 point mutations are frameshift variants, many of which are located in exon 34 as well as further downstream. Loss-of-function is therefore a typical pathomechanism. In summary, based on the current data, we assess this to be a likely pathogenic change.

NM_017780.4(CHD7):c.7605_7606dup (p.Ala2536fs)

Gene: CHD7 (chromodomain helicase DNA binding protein 7; plus strand). Cytogenetic location: 8q12.2.
Variant type: Duplication.
Coding change: c.7605_7606dup on transcript NM_017780.4 (MANE Select); coding-DNA positions 7605 to 7606, 2 bases duplicated (TG; older notation c.7605_7606dupTG).
Protein change: p.Ala2536fs; shifts the reading frame from alanine 2536.
Molecular consequence: frameshift variant. On other transcripts: intron variant (1).
Genome position (GRCh38, 1-based): chr8:60,856,885-60,856,886, TG duplicated; duplicating any 2 consecutive bases within chr8:60,856,884-60,856,886 gives the same sequence; the c. name uses the placement nearest the transcript's 3' end. VCF-style (leftmost placement, unchanged base first): chr8-60856883-A-AGT. GRCh37 (hg19) VCF-style: chr8-61769442-A-AGT.
Other names: c.1717-5344_1717-5343dup (NM_001316690.1); short protein forms A2536fs.
Identifiers: ClinVar variation 4813493 (VCV004813493.1).